The following is an entry in ClinVar:

ClinVar aggregate classification (germline): Pathogenic (1 of 4 stars; one submission).

Allele frequency attached by ClinVar (database versions not stated): gnomAD exomes below 0.00001.
gnomAD v4.1: 2 of 1,614,054 alleles (0.00012%); highest among the groups gnomAD compares: Non-Finnish European, 0.00017%; no homozygotes.

Submission:

Labcorp Genetics (formerly Invitae), Labcorp
Classification: Pathogenic. Last evaluated: 2024-07-08. Review status: criteria provided, single submitter. Criteria: Invitae Variant Classification Sherloc (09022015). Collection method: clinical testing. Allele origin: germline.
Comment: This sequence change creates a premature translational stop signal (p.Gly622*) in the COL4A2 gene. It is expected to result in an absent or disrupted protein product. Loss-of-function variants in COL4A2 are known to be pathogenic (PMID: 22333902, 30315939). This variant is not present in population databases (gnomAD no frequency). This variant has not been reported in the literature in individuals affected with COL4A2-related conditions. ClinVar contains an entry for this variant (Variation ID: 1905712). For these reasons, this variant has been classified as Pathogenic.

Literature cited by the submitters: PubMed 22333902; PubMed 30315939.

NM_001846.4(COL4A2):c.1864G>T (p.Gly622Ter)

Gene: COL4A2 (collagen type IV alpha 2 chain; plus strand). Cytogenetic location: 13q34.
Variant type: single nucleotide variant.
Coding change: c.1864G>T on transcript NM_001846.4 (MANE Select); coding-DNA position 1864, G replaced by T.
Protein change: p.Gly622Ter; replaces glycine 622 with a stop codon.
Molecular consequence: nonsense.
Genome position (GRCh38, 1-based): chr13:110,465,492, G>T. VCF-style: chr13-110465492-G-T. GRCh37 (hg19) VCF-style: chr13-111117839-G-T.
Other names: short protein forms G622*.
Identifiers: ClinVar variation 1905712 (VCV001905712.5), dbSNP rs2502126925, ClinGen allele CA388739377.